The following is an entry in ClinVar:

ClinVar aggregate classification (germline): Pathogenic (1 of 4 stars; one submission).

Submission:

Labcorp Genetics (formerly Invitae), Labcorp
Classification: Pathogenic. Last evaluated: 2019-03-01. Review status: criteria provided, single submitter. Criteria: Invitae Variant Classification Sherloc (09022015). Collection method: clinical testing. Allele origin: germline.
Comment: This sequence change creates a premature translational stop signal (p.Gly241Alafs*41) in the PUS1 gene. It is expected to result in an absent or disrupted protein product. For these reasons, this variant has been classified as Pathogenic. Loss-of-function variants in PUS1 are known to be pathogenic (PMID: 17056637, 19731322, 25058219, 26556812). This variant has not been reported in the literature in individuals with PUS1-related conditions. This variant is not present in population databases (ExAC no frequency).

Literature cited by the submitters: PubMed 17056637; PubMed 19731322; PubMed 25058219; PubMed 26556812.

NM_025215.6(PUS1):c.722del (p.Gly241fs)

Gene: PUS1 (pseudouridine synthase 1; plus strand). Cytogenetic location: 12q24.33.
Variant type: Deletion.
Coding change: c.722del on transcript NM_025215.6 (MANE Select); coding-DNA position 722, one base deleted (G; older notation c.722delG).
Protein change: p.Gly241fs; shifts the reading frame from glycine 241.
Molecular consequence: frameshift variant.
Genome position (GRCh38, 1-based): chr12:131,941,469, G deleted; the last of 3 consecutive G bases (chr12:131,941,467-131,941,469); deleting any one gives the same sequence. VCF-style (leftmost placement, unchanged base first): chr12-131941466-AG-A. GRCh37 (hg19) VCF-style: chr12-132426011-AG-A.
Other names: c.638del, p.Gly213fs (NM_001002019.3, NM_001002020.3); short protein forms G241fs, G213fs.
Identifiers: ClinVar variation 852107 (VCV000852107.7), dbSNP rs1891062680, ClinGen allele CA916083342.